The following is an entry in ClinVar:

NM_003846.3(PEX11B):c.475G>T (p.Gly159Cys)

Gene: PEX11B (peroxisomal biogenesis factor 11 beta; minus strand). Cytogenetic location: 1q21.1.
Variant type: single nucleotide variant.
Coding change: c.475G>T on transcript NM_003846.3 (MANE Select); coding-DNA position 475, G replaced by T.
Protein change: p.Gly159Cys; replaces glycine 159 with cysteine.
Molecular consequence: missense variant. On other transcripts: non-coding transcript variant (3).
Genome position (GRCh38, 1-based): chr1:145,912,466, C>A on the plus strand (G>T on the coding strand, the complement: PEX11B is on the minus strand). VCF-style: chr1-145912466-C-A. GRCh37 (hg19) VCF-style: chr1-145522614-G-T.
Other names: c.433G>T, p.Gly145Cys (NM_001184795.1); c.475G>T (NM_003846.2); short protein forms G145C, G159C.
Identifiers: ClinVar variation 1495412 (VCV001495412.8), dbSNP rs782466544, ClinGen allele CA1055614.

ClinVar aggregate classification (germline): Uncertain significance. Review status: criteria provided, multiple submitters, no conflicts (2 of 4 stars). 2 submissions from 2 submitters: Uncertain significance (2). Last evaluated 2023-03-02.

Conditions:
Inborn genetic diseases. Identifiers: MedGen C0950123, MeSH D030342.

Allele frequency attached by ClinVar (database versions not stated): TOPMed 0.00002; gnomAD 0.00003; gnomAD exomes 0.00005 and 0.00006; ExAC 0.00007.
gnomAD v4.1: 85 of 1,519,642 alleles (0.0056%); highest among the groups gnomAD compares: Non-Finnish European, 0.0069%; no homozygotes.

Submissions (2):

Labcorp Genetics (formerly Invitae), Labcorp
Classification: Uncertain significance. Last evaluated: 2023-03-02. Review status: criteria provided, single submitter. Criteria: Invitae Variant Classification Sherloc (09022015). Collection method: clinical testing. Allele origin: germline.
Comment: This variant has not been reported in the literature in individuals affected with PEX11B-related conditions. In summary, the available evidence is currently insufficient to determine the role of this variant in disease. Therefore, it has been classified as a Variant of Uncertain Significance. An algorithm developed to predict the effect of missense changes on protein structure and function (PolyPhen-2) suggests that this variant¬† is likely to be tolerated. ClinVar contains an entry for this variant (Variation ID: 1495412). This variant is present in population databases (rs782466544, gnomAD 0.009%). This sequence change replaces glycine, which is neutral and non-polar, with cysteine, which is neutral and slightly polar, at codon 159 of the PEX11B protein (p.Gly159Cys).

Ambry Genetics
Classification: Uncertain significance for Inborn genetic diseases. Last evaluated: 2022-10-03. Review status: criteria provided, single submitter. Criteria: Ambry Variant Classification Scheme 2023. Collection method: clinical testing. Allele origin: germline.